The following is an entry in ClinVar:

NM_001605.3(AARS1):c.620A>G (p.Asp207Gly)

Gene: AARS1 (alanyl-tRNA synthetase 1; minus strand). Cytogenetic location: 16q22.1.
Variant type: single nucleotide variant.
Coding change: c.620A>G on transcript NM_001605.3 (MANE Select); coding-DNA position 620, A replaced by G.
Protein change: p.Asp207Gly; replaces aspartic acid 207 with glycine.
Molecular consequence: missense variant.
Genome position (GRCh38, 1-based): chr16:70,271,832, T>C on the plus strand (A>G on the coding strand, the complement: AARS1 is on the minus strand). VCF-style: chr16-70271832-T-C. GRCh37 (hg19) VCF-style: chr16-70305735-T-C.
Other names: short protein forms D207G.
Identifiers: ClinVar variation 1682298 (VCV001682298.8), dbSNP rs1960410669, ClinGen allele CA396566576.

ClinVar aggregate classification (germline): Uncertain significance (1 of 4 stars; one submission).

Conditions:
Charcot-Marie-Tooth disease type 2. Also called: Charcot-Marie-Tooth type 2. Identifiers: Orphanet 64746, MedGen C0270914, MONDO:0018993.

Allele frequency attached by ClinVar (database versions not stated): gnomAD 0.00001.
gnomAD v4.1: 1 of 1,614,058 alleles (0.000062%); highest among the groups gnomAD compares: Non-Finnish European, 0.000085%; no homozygotes.

Submission:

Labcorp Genetics (formerly Invitae), Labcorp
Classification: Uncertain significance for Charcot-Marie-Tooth disease type 2. Last evaluated: 2022-08-16. Review status: criteria provided, single submitter. Criteria: Invitae Variant Classification Sherloc (09022015). Collection method: clinical testing. Allele origin: germline.
Comment: In summary, the available evidence is currently insufficient to determine the role of this variant in disease. Therefore, it has been classified as a Variant of Uncertain Significance. Algorithms developed to predict the effect of missense changes on protein structure and function are either unavailable or do not agree on the potential impact of this missense change (SIFT: "Deleterious"; PolyPhen-2: "Probably Damaging"; Align-GVGD: "Class C0"). ClinVar contains an entry for this variant (Variation ID: 1682298). This variant has not been reported in the literature in individuals affected with AARS-related conditions. This variant is not present in population databases (gnomAD no frequency). This sequence change replaces aspartic acid, which is acidic and polar, with glycine, which is neutral and non-polar, at codon 207 of the AARS protein (p.Asp207Gly).